The following is an entry in ClinVar:

NM_007129.5(ZIC2):c.1385_1386insTGC (p.Ala470_Val471insAla)

Genes: ZIC2 (Zic family zinc finger 2; plus strand), LOC110008580 (Zic family member 2 polyalanine repeat instability region; plus strand). Cytogenetic location: 13q32.3.
Variant type: Insertion.
Coding change: c.1385_1386insTGC on transcript NM_007129.5 (MANE Select); coding-DNA positions 1385 to 1386, TGC inserted.
Protein change: p.Ala470_Val471insAla.
Molecular consequence: inframe insertion.
Genome position: GRCh38 VCF-style: chr13-99985466-G-GGCT. GRCh37 (hg19) VCF-style: chr13-100637720-G-GGCT.
Identifiers: ClinVar variation 3617345 (VCV003617345.2).

ClinVar aggregate classification (germline): Uncertain significance (1 of 4 stars; one submission).

Conditions:
Holoprosencephaly 5 (HPE5). Identifiers: Orphanet 2162, MedGen C1864827, MONDO:0012322, OMIM 609637.

Submission:

Labcorp Genetics (formerly Invitae), Labcorp
Classification: Uncertain significance for Holoprosencephaly 5. Last evaluated: 2025-01-17. Review status: criteria provided, single submitter. Criteria: Invitae Variant Classification Sherloc (09022015). Collection method: clinical testing. Allele origin: germline.
Comment: This variant, c.1385_1386insTGC, results in the insertion of 1 amino acid(s) of the ZIC2 protein (p.Ala470dup), but otherwise preserves the integrity of the reading frame. This variant is not present in population databases (gnomAD no frequency). This variant has been observed in individual(s) with holoprosencephaly (PMID: 21940735). In summary, the available evidence is currently insufficient to determine the role of this variant in disease. Therefore, it has been classified as a Variant of Uncertain Significance.

Literature cited by the submitters: PubMed 21940735.